The following is an entry in ClinVar:

ClinVar aggregate classification (germline): Uncertain significance (1 of 4 stars; one submission).

gnomAD v4.1: 8 of 1,613,912 alleles (0.0005%); highest among the groups gnomAD compares: African/African-American, 0.0013%; no homozygotes.

Submission:

Labcorp Genetics (formerly Invitae), Labcorp
Classification: Uncertain significance. Last evaluated: 2025-06-12. Review status: criteria provided, single submitter. Criteria: Invitae Variant Classification Sherloc (09022015). Collection method: clinical testing. Allele origin: germline.
Comment: This sequence change replaces serine, which is neutral and polar, with arginine, which is basic and polar, at codon 437 of the SLC36A2 protein (p.Ser437Arg). This variant is present in population databases (no rsID available, gnomAD 0.007%). This variant has not been reported in the literature in individuals affected with SLC36A2-related conditions. ClinVar contains an entry for this variant (Variation ID: 2775717). Invitae Evidence Modeling of protein sequence and biophysical properties (such as structural, functional, and spatial information, amino acid conservation, physicochemical variation, residue mobility, and thermodynamic stability) indicates that this missense variant is not expected to disrupt SLC36A2 protein function with a negative predictive value of 80%. In summary, the available evidence is currently insufficient to determine the role of this variant in disease. Therefore, it has been classified as a Variant of Uncertain Significance.

NM_181776.3(SLC36A2):c.1311C>G (p.Ser437Arg)

Gene: SLC36A2 (solute carrier family 36 member 2; minus strand). Cytogenetic location: 5q33.1.
Variant type: single nucleotide variant.
Coding change: c.1311C>G on transcript NM_181776.3 (MANE Select); coding-DNA position 1311, C replaced by G.
Protein change: p.Ser437Arg; replaces serine 437 with arginine.
Molecular consequence: missense variant.
Genome position (GRCh38, 1-based): chr5:151,316,958, G>C on the plus strand (C>G on the coding strand, the complement: SLC36A2 is on the minus strand). VCF-style: chr5-151316958-G-C. GRCh37 (hg19) VCF-style: chr5-150696519-G-C.
Other names: short protein forms S437R.
Identifiers: ClinVar variation 2775717 (VCV002775717.3), dbSNP rs755127928, ClinGen allele CA361806670.